The following is an entry in ClinVar:

NM_001267550.2(TTN):c.74839_74840delinsTA (p.Arg24947Tyr)

Genes: TTN (titin; minus strand), TTN-AS1 (TTN antisense RNA 1; plus strand). Cytogenetic location: 2q31.2.
Variant type: Indel.
Coding change: c.74839_74840delinsTA on transcript NM_001267550.2 (MANE Select); coding-DNA positions 74839 to 74840, CG replaced by TA.
Protein change: p.Arg24947Tyr; replaces arginine 24947 with tyrosine.
Molecular consequence: missense variant.
Genome position (GRCh38, 1-based): chr2:178,571,292-178,571,293, CG replaced by TA on the plus strand (CG replaced by TA on the coding strand, the reverse complement: TTN is on the minus strand). VCF-style: chr2-178571292-CG-TA. GRCh37 (hg19) VCF-style: chr2-179436019-CG-TA.
Other names: c.69916_69917delinsTA, p.Arg23306Tyr (NM_001256850.1); c.47644_47645delinsTA, p.Arg15882Tyr (NM_003319.4); c.67135_67136delinsTA, p.Arg22379Tyr (NM_133378.4); c.48019_48020delinsTA, p.Arg16007Tyr (NM_133432.3); c.48220_48221delinsTA, p.Arg16074Tyr (NM_133437.4); short protein forms R15882Y, R16007Y, R16074Y, R22379Y, R23306Y, R24947Y.
Identifiers: ClinVar variation 4874794 (VCV004874794.2).

ClinVar aggregate classification (germline): Uncertain significance (1 of 4 stars; one submission).

Submission:

CeGaT Center for Human Genetics Tuebingen
Classification: Uncertain significance. Last evaluated: 2026-04-01. Review status: criteria provided, single submitter. Criteria: CeGaT Center For Human Genetics Tuebingen Variant Classification Criteria Version 2. Collection method: clinical testing. Allele origin: germline. Affected: yes. Observed: 1 variant allele.
Comment: TTN: PM2